The following is an entry in ClinVar:

ClinVar aggregate classification (germline): Uncertain significance. Review status: criteria provided, multiple submitters, no conflicts (2 of 4 stars). 2 submissions from 2 submitters: Uncertain significance (2). Last evaluated 2022-04-24.

Allele frequency attached by ClinVar (database versions not stated): gnomAD 0.00001 and 0.00003; gnomAD exomes 0.00001 and 0.00004; TOPMed 0.00003; ExAC 0.00005; 1000 Genomes Project 30x 0.00016; 1000 Genomes Project 0.00020.
gnomAD v4.1: 18 of 1,613,738 alleles (0.0011%); highest among the groups gnomAD compares: East Asian, 0.031%; no homozygotes.

Submissions (2):

Labcorp Genetics (formerly Invitae), Labcorp
Classification: Uncertain significance. Last evaluated: 2022-04-24. Review status: criteria provided, single submitter. Criteria: Invitae Variant Classification Sherloc (09022015). Collection method: clinical testing. Allele origin: germline.
Comment: This sequence change replaces valine, which is neutral and non-polar, with isoleucine, which is neutral and non-polar, at codon 1216 of the TTC37 protein (p.Val1216Ile). This variant is present in population databases (rs555525541, gnomAD 0.05%). This variant has not been reported in the literature in individuals affected with TTC37-related conditions. Algorithms developed to predict the effect of missense changes on protein structure and function output the following: SIFT: "Tolerated"; PolyPhen-2: "Benign"; Align-GVGD: "Class C0". The isoleucine amino acid residue is found in multiple mammalian species, which suggests that this missense change does not adversely affect protein function. In summary, the available evidence is currently insufficient to determine the role of this variant in disease. Therefore, it has been classified as a Variant of Uncertain Significance.

Women's Health and Genetics/Laboratory Corporation of America, LabCorp
Classification: Uncertain significance. Last evaluated: 2022-02-18. Review status: criteria provided, single submitter. Criteria: LabCorp Variant Classification Summary - May 2015. Collection method: clinical testing. Allele origin: germline.

NM_014639.4(SKIC3):c.3646G>A (p.Val1216Ile)

Gene: SKIC3 (SKI3 subunit of superkiller complex; minus strand). Cytogenetic location: 5q15.
Variant type: single nucleotide variant.
Coding change: c.3646G>A on transcript NM_014639.4 (MANE Select); coding-DNA position 3646, G replaced by A.
Protein change: p.Val1216Ile; replaces valine 1216 with isoleucine.
Molecular consequence: missense variant.
Genome position (GRCh38, 1-based): chr5:95,495,008, C>T on the plus strand (G>A on the coding strand, the complement: SKIC3 is on the minus strand). VCF-style: chr5-95495008-C-T. GRCh37 (hg19) VCF-style: chr5-94830712-C-T.
Other names: short protein forms V1216I.
Identifiers: ClinVar variation 1343651 (VCV001343651.3), dbSNP rs555525541, ClinGen allele CA3346645.